The following is an entry in ClinVar:

ClinVar aggregate classification (germline): Uncertain significance (1 of 4 stars; one submission).

gnomAD v4.1: 4 of 1,613,872 alleles (0.00025%); highest among the groups gnomAD compares: African/African-American, 0.0053%; no homozygotes.

Submission:

Labcorp Genetics (formerly Invitae), Labcorp
Classification: Uncertain significance. Last evaluated: 2024-10-16. Review status: criteria provided, single submitter. Criteria: Invitae Variant Classification Sherloc (09022015). Collection method: clinical testing. Allele origin: germline.
Comment: This sequence change replaces tyrosine, which is neutral and polar, with asparagine, which is neutral and polar, at codon 349 of the TNNI3K protein (p.Tyr349Asn). This variant is present in population databases (no rsID available, gnomAD 0.008%). This variant has not been reported in the literature in individuals affected with TNNI3K-related conditions. Invitae Evidence Modeling of protein sequence and biophysical properties (such as structural, functional, and spatial information, amino acid conservation, physicochemical variation, residue mobility, and thermodynamic stability) indicates that this missense variant is not expected to disrupt TNNI3K protein function with a negative predictive value of 80%. In summary, the available evidence is currently insufficient to determine the role of this variant in disease. Therefore, it has been classified as a Variant of Uncertain Significance.

NM_015978.3(TNNI3K):c.1045T>A (p.Tyr349Asn)

Genes: FPGT-TNNI3K (FPGT-TNNI3K readthrough; plus strand), TNNI3K (TNNI3 interacting kinase; plus strand). Cytogenetic location: 1p31.1.
Variant type: single nucleotide variant.
Coding change: c.1045T>A on transcript NM_015978.3 (MANE Select); coding-DNA position 1045, T replaced by A.
Protein change: p.Tyr349Asn; replaces tyrosine 349 with asparagine.
Molecular consequence: missense variant.
Genome position (GRCh38, 1-based): chr1:74,353,997, T>A. VCF-style: chr1-74353997-T-A. GRCh37 (hg19) VCF-style: chr1-74819681-T-A.
Other names: c.1348T>A, p.Tyr450Asn (NM_001112808.3, NM_001199327.2); short protein forms Y450N, Y349N.
Identifiers: ClinVar variation 3649943 (VCV003649943.2).